The following is an entry in ClinVar:

ClinVar aggregate classification (germline): Uncertain significance (1 of 4 stars; one submission).

Conditions:
Emery-Dreifuss muscular dystrophy 4, autosomal dominant (EDMD4). Also called: EMERY-DREIFUSS MUSCULAR DYSTROPHY 4 WITH VARIABLE FEATURES. Identifiers: Orphanet 261, MedGen C2751807, MONDO:0013071, OMIM 612998.
Autosomal recessive ataxia, Beauce type. Also called: Spinocerebellar ataxia, autosomal recessive 8; ATAXIA, RECESSIVE, OF BEAUCE; SYNE1 Deficiency; SYNE1-Related Autosomal Recessive Cerebellar Ataxia. Identifiers: Orphanet 88644, MedGen C1853116, MONDO:0012549, OMIM 610743.

Allele frequency attached by ClinVar (database versions not stated): gnomAD exomes below 0.00001 and 0.00001; ExAC 0.00001; TOPMed 0.00001.
gnomAD v4.1: 3 of 1,613,988 alleles (0.00019%); highest among the groups gnomAD compares: Admixed American, 0.0033%; no homozygotes.

Submission:

Labcorp Genetics (formerly Invitae), Labcorp
Classification: Uncertain significance for Emery-Dreifuss muscular dystrophy 4, autosomal dominant; Autosomal recessive ataxia, Beauce type. Last evaluated: 2022-08-19. Review status: criteria provided, single submitter. Criteria: Invitae Variant Classification Sherloc (09022015). Collection method: clinical testing. Allele origin: germline.
Comment: In summary, the available evidence is currently insufficient to determine the role of this variant in disease. Therefore, it has been classified as a Variant of Uncertain Significance. Algorithms developed to predict the effect of missense changes on protein structure and function output the following: SIFT: "Tolerated"; PolyPhen-2: "Benign"; Align-GVGD: "Class C0". The tyrosine amino acid residue is found in multiple mammalian species, which suggests that this missense change does not adversely affect protein function. ClinVar contains an entry for this variant (Variation ID: 1419188). This sequence change replaces cysteine, which is neutral and slightly polar, with tyrosine, which is neutral and polar, at codon 5659 of the SYNE1 protein (p.Cys5659Tyr). This variant has not been reported in the literature in individuals affected with SYNE1-related conditions. This variant is present in population databases (rs759609921, gnomAD 0.003%).

NM_182961.4(SYNE1):c.17189G>A (p.Cys5730Tyr)

Genes: SYNE1 (spectrin repeat containing nuclear envelope protein 1; minus strand), LOC126859837 (BRD4-independent group 4 enhancer GRCh37_chr6:152630775-152631974; plus strand). Cytogenetic location: 6q25.2.
Variant type: single nucleotide variant.
Coding change: c.17189G>A on transcript NM_182961.4 (MANE Select); coding-DNA position 17189, G replaced by A.
Protein change: p.Cys5730Tyr; replaces cysteine 5730 with tyrosine.
Molecular consequence: missense variant.
Genome position (GRCh38, 1-based): chr6:152,309,848, C>T on the plus strand (G>A on the coding strand, the complement: SYNE1 is on the minus strand). VCF-style: chr6-152309848-C-T. GRCh37 (hg19) VCF-style: chr6-152630983-C-T.
Other names: c.16976G>A, p.Cys5659Tyr (NM_033071.5); short protein forms C5730Y, C5659Y.
Identifiers: ClinVar variation 1419188 (VCV001419188.4), dbSNP rs759609921, ClinGen allele CA4055322.